The following is an entry in ClinVar:

ClinVar aggregate classification (germline): Uncertain significance (1 of 4 stars; one submission).

Conditions:
Aortic aneurysm, familial thoracic 7 (AAT7). Also called: AORTIC DISSECTION, FAMILIAL, WITH OR WITHOUT AORTIC ANEURYSM. Identifiers: MedGen C3151077, MONDO:0013418, OMIM 613780.

gnomAD v4.1: 7 of 1,613,968 alleles (0.00043%); highest among the groups gnomAD compares: Non-Finnish European, 0.00042%; no homozygotes.

Submission:

Labcorp Genetics (formerly Invitae), Labcorp
Classification: Uncertain significance for Aortic aneurysm, familial thoracic 7. Last evaluated: 2023-11-02. Review status: criteria provided, single submitter. Criteria: Invitae Variant Classification Sherloc (09022015). Collection method: clinical testing. Allele origin: germline.
Comment: This sequence change replaces glycine, which is neutral and non-polar, with arginine, which is basic and polar, at codon 1083 of the MYLK protein (p.Gly1083Arg). This variant is present in population databases (no rsID available, gnomAD 0.002%). This variant has not been reported in the literature in individuals affected with MYLK-related conditions. ClinVar contains an entry for this variant (Variation ID: 954399). Advanced modeling of protein sequence and biophysical properties (such as structural, functional, and spatial information, amino acid conservation, physicochemical variation, residue mobility, and thermodynamic stability) performed at Invitae indicates that this missense variant is not expected to disrupt MYLK protein function with a negative predictive value of 95%. In summary, the available evidence is currently insufficient to determine the role of this variant in disease. Therefore, it has been classified as a Variant of Uncertain Significance.

NM_053025.4(MYLK):c.3247G>A (p.Gly1083Arg)

Gene: MYLK (myosin light chain kinase; minus strand). Cytogenetic location: 3q21.1.
Variant type: single nucleotide variant.
Coding change: c.3247G>A on transcript NM_053025.4 (MANE Select); coding-DNA position 3247, G replaced by A.
Protein change: p.Gly1083Arg; replaces glycine 1083 with arginine.
Molecular consequence: missense variant.
Genome position (GRCh38, 1-based): chr3:123,700,221, C>T on the plus strand (G>A on the coding strand, the complement: MYLK is on the minus strand). VCF-style: chr3-123700221-C-T. GRCh37 (hg19) VCF-style: chr3-123419068-C-T.
Other names: c.2719G>A, p.Gly907Arg (NM_001321309.2); c.3040G>A, p.Gly1014Arg (NM_053026.4, NM_053028.4); c.3247G>A, p.Gly1083Arg (NM_053027.4); short protein forms G1014R, G907R, G1083R.
Identifiers: ClinVar variation 954399 (VCV000954399.9), dbSNP rs772444197, ClinGen allele CA354229742.
Genomic context (GRCh38, chr3:123,700,221, plus strand): 5'-TCTGCTTGAAGGCTGGGGCTGTCCCCTGGCTCTCTGATCTCTTTTCATTATCTGTGGTCC[C>T]TGCATGGCCTCTCTTGCAGTTCACATCATTCTTAACGTCTTTCTTGAGTTCTTCTTTGCT-3'
Protein context (NP_444253.3, residues 1073-1093): NDVNCKRGHA[Gly1083Arg]TTDNEKRSES